The following is an entry in ClinVar:

NM_014874.4(MFN2):c.1987C>T (p.Arg663Cys)

Gene: MFN2 (mitofusin 2; plus strand). Cytogenetic location: 1p36.22.
Variant type: single nucleotide variant.
Coding change: c.1987C>T on transcript NM_014874.4 (MANE Select); coding-DNA position 1987, C replaced by T.
Protein change: p.Arg663Cys; replaces arginine 663 with cysteine.
Molecular consequence: missense variant.
Genome position (GRCh38, 1-based): chr1:12,007,167, C>T. VCF-style: chr1-12007167-C-T. GRCh37 (hg19) VCF-style: chr1-12067224-C-T.
Other names: p.R663C:CGC>TGC; c.1987C>T, p.Arg663Cys (NM_001127660.2); short protein forms R663C.
Identifiers: ClinVar variation 214648 (VCV000214648.58), dbSNP rs369762154, ClinGen allele CA322248.
Genomic context (GRCh38, chr1:12,007,167, plus strand): 5'-CTCCTCTACGTCTATGAGCGTCTGACCTGGACCACCAAGGCCAAGGAGAGGGCCTTCAAG[C>T]GCCAGTTTGTGGAGCATGCCAGCGAGAAGCTGCAGCTTGTCATCAGCTACACTGGCTCCA-3'
Protein context (NP_055689.1, residues 653-673): TTKAKERAFK[Arg663Cys]QFVEHASEKL

ClinVar aggregate classification (germline): Conflicting classifications of pathogenicity. Review status: criteria provided, conflicting classifications (1 of 4 stars). 10 submissions from 9 submitters: Likely pathogenic (1); Uncertain significance (7); Benign (1); Likely benign (1). Last evaluated 2026-09-04.

Conditions:
MFN2-related disorder. Also called: MFN2-related condition; MFN2-related disorders.
Inborn genetic diseases. Identifiers: MedGen C0950123, MeSH D030342.
Charcot-Marie-Tooth disease type 2. Also called: Charcot-Marie-Tooth type 2. Identifiers: Orphanet 64746, MedGen C0270914, MONDO:0018993.
Hereditary motor and sensory neuropathy with optic atrophy. Also called: CHARCOT-MARIE-TOOTH DISEASE, TYPE 6; PERIPHERAL NEUROPATHY AND OPTIC ATROPHY. Identifiers: Orphanet 90120, MedGen C0393807, MONDO:0019551.
Charcot-Marie-Tooth disease type 2A2. Also called: CHARCOT-MARIE-TOOTH DISEASE, AXONAL, AUTOSOMAL DOMINANT, TYPE 2A2A; CHARCOT-MARIE-TOOTH DISEASE, NEURONAL, TYPE 2A2; HEREDITARY MOTOR AND SENSORY NEUROPATHY IIA2; HMSN IIA2; CHARCOT-MARIE-TOOTH DISEASE, AXONAL, TYPE 2A2; Charcot-Marie-Tooth Neuropathy Type 2A2. Identifiers: Orphanet 99947, MedGen C4721887, MONDO:0012231, OMIM 609260.

Allele frequency attached by ClinVar (database versions not stated): gnomAD 0.00011 and 0.00015; TOPMed 0.00011; ESP Exome Variant Server 0.00015.
gnomAD v4.1: 223 of 1,614,192 alleles (0.014%); highest among the groups gnomAD compares: South Asian, 0.036%; no homozygotes.

Submissions (10):

PreventionGenetics, part of Exact Sciences
Classification: Uncertain significance for MFN2-related condition. Last evaluated: 2026-09-04. Review status: criteria provided, single submitter. Criteria: ACMG Guidelines, 2015. Collection method: clinical testing. Allele origin: germline.
Comment: The MFN2 c.1987C>T variant is predicted to result in the amino acid substitution p.Arg663Cys. This variant has been reported in the heterozygous or homozygous states in multiple individuals with varied phenotypes of Charcot-Marie-Tooth, ataxia, or amyotrophic lateral sclerosis (Di Meglio et al. 2016. PubMed ID: 26686600; Goldstein et al. 2019. PubMed ID: 31108397; Galatolo et al. 2021. PubMed ID: 34445196). This variant has also been reported as a de novo occurrence in an individual with Charcot-Marie-Tooth disease (Hoebeke et al. 2018. PubMed ID: 30340945). This variant is reported in 0.19% of alleles in individuals of Ashkenazi Jewish descent in gnomAD, which may be too frequent to be a primary cause of disease. At this time, the clinical significance of this variant is uncertain due to the absence of conclusive functional and genetic evidence.

Labcorp Genetics (formerly Invitae), Labcorp
Classification: Likely benign for Charcot-Marie-Tooth disease type 2. Last evaluated: 2026-01-12. Review status: criteria provided, single submitter. Criteria: Invitae Variant Classification Sherloc (09022015). Collection method: clinical testing. Allele origin: germline.

GeneDx
Classification: Uncertain significance. Last evaluated: 2025-11-08. Review status: criteria provided, single submitter. Criteria: GeneDx Variant Classification Process June 2021. Collection method: clinical testing. Allele origin: germline. Affected: yes.
Comment: Previously reported in a pediatric patient with an atypical phenotype including acute neurological failure and deafness; the variant was also identified in his mother who was reported to have a toe-walking gait (PMID: 26686600); Reported previously in the heterozygous state in a patient with CMT; however, further clinical and segregation information was not provided (PMID: 30340945); Reported previously in the homozygous state in a patient with ALS; however, several other homozygous variants were found in other genes as well. Variant was also reported in the heterozygous state in a patient with ALS (no further clinical or segregation information provided), and in the heterozygous state in a control sample (PMID: 31108397); In silico analysis supports that this missense variant has a deleterious effect on protein structure/function; This variant is associated with the following publications: (PMID: 27582484, 29625556, 31582811, 33415332, 34445196, 30340945, 31108397, 26686600)

ARUP Laboratories, Molecular Genetics and Genomics, ARUP Laboratories
Classification: Uncertain significance. Last evaluated: 2024-05-31. Review status: criteria provided, single submitter. Criteria: ARUP Molecular Germline Variant Investigation Process 2024. Collection method: clinical testing. Allele origin: germline.
Comment: The MFN2 c.1987C>T; p.Arg663Cys variant (rs369762154, ClinVar Variation ID: 214648), is reported heterozygous in the literature in individuals affected with CMT or polyneuropathy and homozygous in an individual with AML (Goldstein 2019, Hoebeke 2018, Di Meglio 2016). This variant is found in the Ashkenazi Jewish population with an allele frequency of 0.19% (20/10370 alleles) in the Genome Aggregation Database (v2.1.1). Computational analyses predict that this variant is deleterious (REVEL: 0.854). However, given the lack of clinical and functional data, the significance of this variant is uncertain at this time. References: Goldstein O et al. Rare homozygosity in amyotrophic lateral sclerosis suggests the contribution of recessive variants to disease genetics. J Neurol Sci. 2019 Jul 15;402:62-68. PMID: 31108397. Hoebeke C et al. Retrospective study of 75 children with peripheral inherited neuropathy: Genotype-phenotype correlations. Arch Pediatr. 2018 Nov;25(8):452-458. PMID: 30340945. Di Meglio C et al. Clinical and allelic heterogeneity in a pediatric cohort of 11 patients carrying MFN2 mutation. Brain Dev. 2016 May;38(5):498-506. PMID: 26686600.

Ambry Genetics
Classification: Uncertain significance for Inborn genetic diseases. Last evaluated: 2023-06-02. Review status: criteria provided, single submitter. Criteria: Ambry Variant Classification Scheme 2023. Collection method: clinical testing. Allele origin: germline.
Comment: Unlikely to be causative of MFN2-related neuropathy (AD) Based on insufficient or conflicting evidence, the clinical significance of this alteration remains unclear.

CeGaT Center for Human Genetics Tuebingen
Classification: Uncertain significance. Last evaluated: 2022-07-01. Review status: criteria provided, single submitter. Criteria: CeGaT Center For Human Genetics Tuebingen Variant Classification Criteria Version 2. Collection method: clinical testing. Allele origin: germline. Affected: yes. Observed: 1 variant allele.
Comment: MFN2: PM2, PP3

Molecular Medicine for Neurodegenerative and Neuromuscular Diseases Unit, IRCCS Fondazione Stella Maris
Classification: Likely pathogenic for Charcot-Marie-Tooth disease type 2A2. Last evaluated: 2021-07-12. Review status: criteria provided, single submitter. Criteria: ACMG Guidelines, 2015. Collection method: research. Allele origin: unknown. Affected: yes.

Baylor Genetics
Classification: Uncertain significance for Charcot-Marie-Tooth disease type 2A2. Last evaluated: 2018-03-01. Review status: criteria provided, single submitter. Criteria: ACMG Guidelines, 2015. Collection method: clinical testing. Allele origin: unknown. Affected: yes.
Comment: This variant was determined to be of uncertain significance according to ACMG Guidelines, 2015 [PMID:25741868].

Illumina Laboratory Services, Illumina
Classification: Uncertain significance for Neuropathy, hereditary motor and sensory, type 6A. Last evaluated: 2017-04-28. Review status: criteria provided, single submitter. Criteria: ICSL Variant Classification Criteria 13 December 2019. Collection method: clinical testing. Allele origin: germline.
Comment: This variant was observed as part of a predisposition screen in an ostensibly healthy population. A literature search was performed for the gene, cDNA change, and amino acid change (where applicable). Publications were found based on this search. However, the evidence from the literature, in combination with allele frequency data from public databases where available, was not sufficient to rule this variant in or out of causing disease. Therefore, this variant is classified as a variant of unknown significance.

Illumina Laboratory Services, Illumina
Classification: Benign for Charcot-Marie-Tooth disease, type 2. Last evaluated: 2017-04-28. Review status: criteria provided, single submitter. Criteria: ICSL Variant Classification Criteria 13 December 2019. Collection method: clinical testing. Allele origin: germline.
Comment: This variant was observed as part of a predisposition screen in an ostensibly healthy population. A literature search was performed for the gene, cDNA change, and amino acid change (where applicable). Publications were found based on this search. The evidence from the literature, in combination with allele frequency data from public databases where available, was sufficient to rule this variant out of causing disease. Therefore, this variant is classified as benign.

Literature cited by the submitters: PubMed 26686600 (cited by Illumina Laboratory Services, Illumina).